The following is an entry in ClinVar:

ClinVar aggregate classification (germline): Uncertain significance. Review status: criteria provided, multiple submitters, no conflicts (2 of 4 stars). 5 submissions from 5 submitters: Uncertain significance (5). Last evaluated 2025-06-18.

Conditions:
Inborn genetic diseases. Identifiers: MedGen C0950123, MeSH D030342.
Microcephaly 5, primary, autosomal recessive (MCPH5). Also called: ASPM Primary Microcephaly. Identifiers: Orphanet 2512, MedGen C1837501, MONDO:0012106, OMIM 608716.

Allele frequency attached by ClinVar (database versions not stated): gnomAD exomes 0.00001 and 0.00002; ExAC 0.00002; gnomAD 0.00007 and 0.00008; TOPMed 0.00008.
gnomAD v4.1: 20 of 1,614,026 alleles (0.0012%); highest among the groups gnomAD compares: African/African-American, 0.027%; no homozygotes.

Submissions (5):

Labcorp Genetics (formerly Invitae), Labcorp
Classification: Uncertain significance. Last evaluated: 2025-06-18. Review status: criteria provided, single submitter. Criteria: Invitae Variant Classification Sherloc (09022015). Collection method: clinical testing. Allele origin: germline.
Comment: This sequence change replaces aspartic acid, which is acidic and polar, with valine, which is neutral and non-polar, at codon 428 of the ASPM protein (p.Asp428Val). This variant is present in population databases (rs767859450, gnomAD 0.02%). This variant has not been reported in the literature in individuals affected with ASPM-related conditions. ClinVar contains an entry for this variant (Variation ID: 593358). Invitae Evidence Modeling of protein sequence and biophysical properties (such as structural, functional, and spatial information, amino acid conservation, physicochemical variation, residue mobility, and thermodynamic stability) indicates that this missense variant is not expected to disrupt ASPM protein function with a negative predictive value of 80%. In summary, the available evidence is currently insufficient to determine the role of this variant in disease. Therefore, it has been classified as a Variant of Uncertain Significance.

Genome-Nilou Lab
Classification: Uncertain significance for Microcephaly 5, primary, autosomal recessive. Last evaluated: 2023-04-11. Review status: criteria provided, single submitter. Criteria: ACMG Guidelines, 2015. Collection method: clinical testing. Allele origin: germline. Affected: no.

Ambry Genetics
Classification: Uncertain significance for Inborn genetic diseases. Last evaluated: 2021-05-14. Review status: criteria provided, single submitter. Criteria: Ambry Variant Classification Scheme 2023. Collection method: clinical testing. Allele origin: germline.

Eurofins Ntd Llc (ga)
Classification: Uncertain significance. Last evaluated: 2017-07-28. Review status: criteria provided, single submitter. Criteria: EGL Classification Definitions 2015. Collection method: clinical testing. Allele origin: germline. Observed: 1 variant allele, 1 heterozygote.

Breakthrough Genomics
Classification: Uncertain significance. Review status: criteria provided, single submitter. Criteria: ACMG Guidelines, 2015. Collection method: not provided. Allele origin: germline. Inheritance: Autosomal recessive inheritance. Affected: yes.

NM_018136.5(ASPM):c.1283A>T (p.Asp428Val)

Gene: ASPM (assembly factor for spindle microtubules; minus strand). Cytogenetic location: 1q31.3.
Variant type: single nucleotide variant.
Coding change: c.1283A>T on transcript NM_018136.5 (MANE Select); coding-DNA position 1283, A replaced by T.
Protein change: p.Asp428Val; replaces aspartic acid 428 with valine.
Molecular consequence: missense variant.
Genome position (GRCh38, 1-based): chr1:197,142,969, T>A on the plus strand (A>T on the coding strand, the complement: ASPM is on the minus strand). VCF-style: chr1-197142969-T-A. GRCh37 (hg19) VCF-style: chr1-197112099-T-A.
Other names: c.1283A>T (NM_018136.4); c.1283A>T, p.Asp428Val (NM_001206846.2); short protein forms D428V.
Identifiers: ClinVar variation 593358 (VCV000593358.12), dbSNP rs767859450, ClinGen allele CA1310738.